The following is an entry in ClinVar:

ClinVar aggregate classification (germline): Uncertain significance. Review status: criteria provided, multiple submitters, no conflicts (2 of 4 stars). 4 submissions from 4 submitters: Uncertain significance (4). Last evaluated 2025-11-25.

Conditions:
Inborn genetic diseases. Identifiers: MedGen C0950123, MeSH D030342.
Bardet-Biedl syndrome 16 (BBS16). Identifiers: Orphanet 110, MedGen C3889474, MONDO:0014444, OMIM 615993.
Senior-Loken syndrome 7 (SLSN7). Identifiers: Orphanet 3156, MedGen C3150877, MONDO:0013326, OMIM 613615.
SDCCAG8-related disorder. Also called: SDCCAG8-related condition; SDCCAG8-Related Disorders.

Allele frequency attached by ClinVar (database versions not stated): ExAC 0.00002; gnomAD exomes 0.00002 and 0.00005; gnomAD 0.00005.
gnomAD v4.1: 89 of 1,613,016 alleles (0.0055%); highest among the groups gnomAD compares: Non-Finnish European, 0.0071%; no homozygotes.

Submissions (4):

Ambry Genetics
Classification: Uncertain significance for Inborn genetic diseases. Last evaluated: 2025-11-25. Review status: criteria provided, single submitter. Criteria: Ambry Variant Classification Scheme 2023. Collection method: clinical testing. Allele origin: germline.

PreventionGenetics, part of Exact Sciences
Classification: Uncertain significance for SDCCAG8-related condition. Last evaluated: 2025-07-15. Review status: criteria provided, single submitter. Criteria: ACMG Guidelines, 2015. Collection method: clinical testing. Allele origin: germline.
Comment: The SDCCAG8 c.280T>A variant is predicted to result in the amino acid substitution p.Ser94Thr. To our knowledge, this variant has not been reported in the literature. This variant is reported in 0.0062% of alleles in individuals of European (Non-Finnish) descent in gnomAD. At this time, the clinical significance of this variant is uncertain due to the absence of conclusive functional and genetic evidence.

Fulgent Genetics
Classification: Uncertain significance for Senior-Loken syndrome 7; Bardet-Biedl syndrome 16. Last evaluated: 2024-04-22. Review status: criteria provided, single submitter. Criteria: ACMG Guidelines, 2015. Collection method: clinical testing. Allele origin: germline.

Labcorp Genetics (formerly Invitae), Labcorp
Classification: Uncertain significance for Bardet-Biedl syndrome 16; Senior-Loken syndrome 7. Last evaluated: 2022-09-01. Review status: criteria provided, single submitter. Criteria: Invitae Variant Classification Sherloc (09022015). Collection method: clinical testing. Allele origin: germline.
Comment: This sequence change replaces serine, which is neutral and polar, with threonine, which is neutral and polar, at codon 94 of the SDCCAG8 protein (p.Ser94Thr). This variant is present in population databases (rs776810375, gnomAD 0.006%). This variant has not been reported in the literature in individuals affected with SDCCAG8-related conditions. ClinVar contains an entry for this variant (Variation ID: 1491648). Algorithms developed to predict the effect of missense changes on protein structure and function output the following: SIFT: "Tolerated"; PolyPhen-2: "Benign"; Align-GVGD: "Class C0". The threonine amino acid residue is found in multiple mammalian species, which suggests that this missense change does not adversely affect protein function. In summary, the available evidence is currently insufficient to determine the role of this variant in disease. Therefore, it has been classified as a Variant of Uncertain Significance.

NM_006642.5(SDCCAG8):c.280T>A (p.Ser94Thr)

Gene: SDCCAG8 (SHH signaling and ciliogenesis regulator SDCCAG8; plus strand). Cytogenetic location: 1q43.
Variant type: single nucleotide variant.
Coding change: c.280T>A on transcript NM_006642.5 (MANE Select); coding-DNA position 280, T replaced by A.
Protein change: p.Ser94Thr; replaces serine 94 with threonine.
Molecular consequence: missense variant. On other transcripts: 5 prime UTR variant (4).
Genome position (GRCh38, 1-based): chr1:243,271,037, T>A. VCF-style: chr1-243271037-T-A. GRCh37 (hg19) VCF-style: chr1-243434339-T-A.
Other names: c.280T>A (NM_006642.3); c.-833T>A (NM_001350246.2); c.-721T>A (NM_001350247.2); c.280T>A, p.Ser94Thr (NM_001350248.2); c.-15T>A (NM_001350249.2); c.-1094T>A (NM_001350251.2); short protein forms S94T.
Identifiers: ClinVar variation 1491648 (VCV001491648.7), dbSNP rs776810375, ClinGen allele CA1483256.